The following is an entry in ClinVar:

NM_006662.3(SRCAP):c.1624G>C (p.Glu542Gln)

Gene: SRCAP (Snf2 related CREBBP activator protein; plus strand). Cytogenetic location: 16p11.2.
Variant type: single nucleotide variant.
Coding change: c.1624G>C on transcript NM_006662.3 (MANE Select); coding-DNA position 1624, G replaced by C.
Protein change: p.Glu542Gln; replaces glutamic acid 542 with glutamine.
Molecular consequence: missense variant.
Genome position (GRCh38, 1-based): chr16:30,711,966, G>C. VCF-style: chr16-30711966-G-C. GRCh37 (hg19) VCF-style: chr16-30723287-G-C.
Other names: short protein forms E542Q.
Identifiers: ClinVar variation 3381300 (VCV003381300.1).

ClinVar aggregate classification (germline): Uncertain significance (1 of 4 stars; one submission).

Submission:

GeneDx
Classification: Uncertain significance. Last evaluated: 2024-05-22. Review status: criteria provided, single submitter. Criteria: GeneDx Variant Classification Process June 2021. Collection method: clinical testing. Allele origin: germline. Affected: yes.
Comment: Not observed at significant frequency in large population cohorts (gnomAD); In silico analysis indicates that this missense variant does not alter protein structure/function; Has not been previously published as pathogenic or benign to our knowledge